The following is an entry in ClinVar:

ClinVar aggregate classification (germline): Uncertain significance. Review status: criteria provided, multiple submitters, no conflicts (2 of 4 stars). 2 submissions from 2 submitters: Uncertain significance (2). Last evaluated 2025-12-08.

gnomAD v4.1: 54 of 1,607,160 alleles (0.0034%); highest among the groups gnomAD compares: African/African-American, 0.067%; no homozygotes.

Submissions (2):

Ambry Genetics
Classification: Uncertain significance. Last evaluated: 2025-12-08. Review status: criteria provided, single submitter. Criteria: Ambry Variant Classification Scheme 2023. Collection method: clinical testing. Allele origin: germline.

Labcorp Genetics (formerly Invitae), Labcorp
Classification: Uncertain significance. Last evaluated: 2025-11-05. Review status: criteria provided, single submitter. Criteria: Invitae Variant Classification Sherloc (09022015). Collection method: clinical testing. Allele origin: germline.
Comment: This sequence change replaces lysine, which is basic and polar, with arginine, which is basic and polar, at codon 278 of the NDUFAF1 protein (p.Lys278Arg). This variant is present in population databases (rs138973347, gnomAD 0.07%), and has an allele count higher than expected for a pathogenic variant. This variant has not been reported in the literature in individuals affected with NDUFAF1-related conditions. An algorithm developed to predict the effect of missense changes on protein structure and function (PolyPhen-2) suggests that this variant is likely to be tolerated. Algorithms developed to predict the effect of sequence changes on RNA splicing suggest that this variant may disrupt the consensus splice site. In summary, the available evidence is currently insufficient to determine the role of this variant in disease. Therefore, it has been classified as a Variant of Uncertain Significance.

NM_016013.4(NDUFAF1):c.833A>G (p.Lys278Arg)

Gene: NDUFAF1 (NADH:ubiquinone oxidoreductase complex assembly factor 1; minus strand). Cytogenetic location: 15q15.1.
Variant type: single nucleotide variant.
Coding change: c.833A>G on transcript NM_016013.4 (MANE Select); coding-DNA position 833, A replaced by G.
Protein change: p.Lys278Arg; replaces lysine 278 with arginine.
Molecular consequence: missense variant. On other transcripts: non-coding transcript variant (3).
Genome position (GRCh38, 1-based): chr15:41,388,449, T>C on the plus strand (A>G on the coding strand, the complement: NDUFAF1 is on the minus strand). VCF-style: chr15-41388449-T-C. GRCh37 (hg19) VCF-style: chr15-41680647-T-C.
Other names: c.833A>G, p.Lys278Arg (NM_001437486.1, NM_001437487.1, NM_001437488.1 and 2 more transcripts); short protein forms K278R.
Identifiers: ClinVar variation 4556689 (VCV004556689.2).